The following is an entry in ClinVar:

ClinVar aggregate classification (germline): Uncertain significance (1 of 4 stars; one submission).

gnomAD v4.1: 18 of 1,604,374 alleles (0.0011%); highest among the groups gnomAD compares: Middle Eastern, 0.033%; no homozygotes.

Submission:

Labcorp Genetics (formerly Invitae), Labcorp
Classification: Uncertain significance. Last evaluated: 2024-03-07. Review status: criteria provided, single submitter. Criteria: Invitae Variant Classification Sherloc (09022015). Collection method: clinical testing. Allele origin: germline.
Comment: This sequence change replaces alanine, which is neutral and non-polar, with valine, which is neutral and non-polar, at codon 502 of the DVL3 protein (p.Ala502Val). This variant is present in population databases (rs770794579, gnomAD 0.0009%). This variant has not been reported in the literature in individuals affected with DVL3-related conditions. An algorithm developed to predict the effect of missense changes on protein structure and function (PolyPhen-2) suggests that this variant is likely to be tolerated. In summary, the available evidence is currently insufficient to determine the role of this variant in disease. Therefore, it has been classified as a Variant of Uncertain Significance.

NM_004423.4(DVL3):c.1505C>T (p.Ala502Val)

Gene: DVL3 (dishevelled segment polarity protein 3; plus strand). Cytogenetic location: 3q27.1.
Variant type: single nucleotide variant.
Coding change: c.1505C>T on transcript NM_004423.4 (MANE Select); coding-DNA position 1505, C replaced by T.
Protein change: p.Ala502Val; replaces alanine 502 with valine.
Molecular consequence: missense variant.
Genome position (GRCh38, 1-based): chr3:184,170,012, C>T. VCF-style: chr3-184170012-C-T. GRCh37 (hg19) VCF-style: chr3-183887800-C-T.
Other names: short protein forms A502V.
Identifiers: ClinVar variation 3709818 (VCV003709818.2).